The following is an entry in ClinVar:

ClinVar aggregate classification (germline): Likely benign (1 of 4 stars; one submission).

Conditions:
Oligodontia-cancer predisposition syndrome. Also called: TOOTH AGENESIS-COLORECTAL CANCER SYNDROME. Identifiers: Orphanet 300576, MedGen C1837750, MONDO:0012075, OMIM 608615. Disease mechanism: loss of function.

Submission:

Myriad Genetics, Inc.
Classification: Likely benign for Oligodontia-cancer predisposition syndrome. Last evaluated: 2024-07-01. Review status: criteria provided, single submitter. Criteria: Myriad Autosomal Dominant, Autosomal Recessive and X-Linked Classification Criteria (2023). Collection method: clinical testing. Allele origin: unknown.
Comment: This variant is considered likely benign. This variant is intronic and is not expected to impact mRNA splicing.

NM_004655.4(AXIN2):c.1060-20_1060-17delinsCTCT

Gene: AXIN2 (axin 2; minus strand). Cytogenetic location: 17q24.1.
Variant type: Indel.
Coding change: c.1060-20_1060-17delinsCTCT on transcript NM_004655.4 (MANE Select); 20 bases into the intron before coding-DNA position 1060 through 17 bases into the intron before coding-DNA position 1060, TTCC replaced by CTCT.
Molecular consequence: intron variant.
Genome position (GRCh38, 1-based): chr17:65,538,360-65,538,363, GGAA replaced by AGAG on the plus strand (TTCC replaced by CTCT on the coding strand, the reverse complement: AXIN2 is on the minus strand). VCF-style: chr17-65538360-GGAA-AGAG. GRCh37 (hg19) VCF-style: chr17-63534478-GGAA-AGAG.
Other names: c.1060-20_1060-17delinsCTCT (NM_001363813.1).
Identifiers: ClinVar variation 3379059 (VCV003379059.1).
Genomic context (GRCh38, chr17:65,538,360, plus strand): 5'-GCGGGTTCCACGGGGGTCATCTCCTTGGGCAGGCGGTGGGTTCTCTACAGGACGTGGAAA[GGAA>AGAG]AGGGAGGAGGCACGTTCAGCAGGCTAGGTGGGCGGTGGCTTGGCCGGAGCTTCCCGCACC-3'